The following is an entry in ClinVar:

ClinVar aggregate classification (germline): Uncertain significance. Review status: criteria provided, multiple submitters, no conflicts (2 of 4 stars). 2 submissions from 2 submitters: Uncertain significance (2). Last evaluated 2025-04-23.

Allele frequency attached by ClinVar (database versions not stated): gnomAD 0.00002; gnomAD exomes 0.00003; TOPMed 0.00006; ExAC 0.00007; 1000 Genomes Project 0.00020; 1000 Genomes Project 30x 0.00031.

Submissions (2):

Labcorp Genetics (formerly Invitae), Labcorp
Classification: Uncertain significance. Last evaluated: 2025-04-23. Review status: criteria provided, single submitter. Criteria: Invitae Variant Classification Sherloc (09022015). Collection method: clinical testing. Allele origin: germline.
Comment: This sequence change replaces cysteine, which is neutral and slightly polar, with tyrosine, which is neutral and polar, at codon 24 of the UBE2T protein (p.Cys24Tyr). This variant is present in population databases (rs201734685, gnomAD 0.07%). This missense change has been observed in individual(s) with aplastic anemia (PMID: 36622392). ClinVar contains an entry for this variant (Variation ID: 2420686). An algorithm developed to predict the effect of missense changes on protein structure and function (PolyPhen-2) suggests that this variant is likely to be disruptive. In summary, the available evidence is currently insufficient to determine the role of this variant in disease. Therefore, it has been classified as a Variant of Uncertain Significance.

Ambry Genetics
Classification: Uncertain significance. Last evaluated: 2024-02-21. Review status: criteria provided, single submitter. Criteria: Ambry Variant Classification Scheme 2023. Collection method: clinical testing. Allele origin: germline.

Literature cited by the submitters: PubMed 36622392 (cited by Labcorp Genetics (formerly Invitae), Labcorp).

NM_014176.4(UBE2T):c.71G>A (p.Cys24Tyr)

Gene: UBE2T (ubiquitin conjugating enzyme E2 T; minus strand). Cytogenetic location: 1q32.1.
Variant type: single nucleotide variant.
Coding change: c.71G>A on transcript NM_014176.4 (MANE Select); coding-DNA position 71, G replaced by A.
Protein change: p.Cys24Tyr; replaces cysteine 24 with tyrosine.
Molecular consequence: missense variant. On other transcripts: 5 prime UTR variant (1).
Genome position (GRCh38, 1-based): chr1:202,335,684, C>T on the plus strand (G>A on the coding strand, the complement: UBE2T is on the minus strand). VCF-style: chr1-202335684-C-T. GRCh37 (hg19) VCF-style: chr1-202304812-C-T.
Other names: c.-24G>A (NM_001310326.2); c.71G>A (NM_014176.3); short protein forms C24Y.
Identifiers: ClinVar variation 2420686 (VCV002420686.7), dbSNP rs201734685, ClinGen allele CA1332466.
Genomic context (GRCh38, chr1:202,335,684, plus strand): 5'-ATATACATGATTTGATACCTACGAGCTCGCAGGTCATCCATTTGGTCTTTATCTTGCCAA[C>T]ATGTGATGCCTGGGGGTGGCTCTGTGGCTAACATGTGCAGCTCTCTCTTCAGACGTGAAG-3'
Protein context (NP_054895.1, residues 14-34): LATEPPPGIT[Cys24Tyr]WQDKDQMDDL